The following is an entry in ClinVar:

ClinVar aggregate classification (germline): Uncertain significance (1 of 4 stars; one submission).

Submission:

GeneDx
Classification: Uncertain significance. Last evaluated: 2024-11-07. Review status: criteria provided, single submitter. Criteria: GeneDx Variant Classification Process June 2021. Collection method: clinical testing. Allele origin: germline. Affected: yes.
Comment: Not observed at significant frequency in large population cohorts (gnomAD); In silico analysis indicates that this missense variant does not alter protein structure/function; Has not been previously published as pathogenic or benign to our knowledge

NM_001197104.2(KMT2A):c.7250T>C (p.Ile2417Thr)

Gene: KMT2A (lysine methyltransferase 2A; plus strand). Cytogenetic location: 11q23.3.
Variant type: single nucleotide variant.
Coding change: c.7250T>C on transcript NM_001197104.2 (MANE Select); coding-DNA position 7250, T replaced by C.
Protein change: p.Ile2417Thr; replaces isoleucine 2417 with threonine.
Molecular consequence: missense variant.
Genome position (GRCh38, 1-based): chr11:118,503,142, T>C. VCF-style: chr11-118503142-T-C. GRCh37 (hg19) VCF-style: chr11-118373857-T-C.
Other names: c.7340T>C, p.Ile2447Thr (NM_001412597.1); c.7241T>C, p.Ile2414Thr (NM_005933.4); short protein forms I2414T, I2417T, I2447T.
Identifiers: ClinVar variation 3899146 (VCV003899146.1).